The following is an entry in ClinVar:

ClinVar aggregate classification (germline): Uncertain significance (1 of 4 stars; one submission).

Conditions:
Cardiovascular phenotype. Identifiers: MedGen CN230736.

Submission:

Ambry Genetics
Classification: Uncertain significance for Cardiovascular phenotype. Last evaluated: 2026-04-09. Review status: criteria provided, single submitter. Criteria: Ambry Variant Classification Scheme 2023. Collection method: clinical testing. Allele origin: germline.
Comment: The p.S63F variant (also known as c.188C>T), located in coding exon 1 of the GATA4 gene, results from a C to T substitution at nucleotide position 188. The serine at codon 63 is replaced by phenylalanine, an amino acid with highly dissimilar properties. This amino acid position is conserved. In addition, the in silico prediction for this alteration is inconclusive. Based on the available evidence, the clinical significance of this variant remains unclear.

NM_001308093.3(GATA4):c.188C>T (p.Ser63Phe)

Gene: GATA4 (GATA binding protein 4). Cytogenetic location: 8p23.1.
Variant type: single nucleotide variant.
Coding change: c.188C>T on transcript NM_001308093.3 (MANE Select); coding-DNA position 188, C replaced by T.
Protein change: p.Ser63Phe; replaces serine 63 with phenylalanine.
Molecular consequence: missense variant. On other transcripts: intron variant (3).
Genome position (GRCh38, 1-based): chr8:11,708,500, C>T. VCF-style: chr8-11708500-C-T. GRCh37 (hg19) VCF-style: chr8-11566009-C-T.
Other names: c.-3+4196C>T (NM_001374273.1); c.188C>T, p.Ser63Phe (NM_002052.5); c.-6+7722C>T (NM_001308094.2); c.-3+486C>T (NM_001374274.1); short protein forms S63F.
Identifiers: ClinVar variation 4857884 (VCV004857884.1).
Genomic context (GRCh38, chr8:11,708,500, plus strand): 5'-GGGTGCCCTCCTCCGTGCTGGGCCTGTCCTACCTCCAGGGCGGAGGCGCGGGCTCTGCGT[C>T]CGGAGGCGCCTCGGGCGGCAGCTCCGGTGGGGCCGCGTCTGGTGCGGGGCCCGGGACCCA-3'
Protein context (NP_001295022.1, residues 53-73): YLQGGGAGSA[Ser63Phe]GGASGGSSGG